The following is an entry in ClinVar:

ClinVar aggregate classification (germline): Uncertain significance (1 of 4 stars; one submission).

Conditions:
Hypertrophic cardiomyopathy. Also called: HYPERTROPHIC MYOCARDIOPATHY. Identifiers: Orphanet 217569, MedGen C0007194, MeSH D002312, MONDO:0005045, HP:0001639.

Allele frequency attached by ClinVar (database versions not stated): gnomAD exomes below 0.00001.
gnomAD v4.1: 2 of 1,580,604 alleles (0.00013%); highest among the groups gnomAD compares: Non-Finnish European, 0.00017%; no homozygotes.

Submission:

Labcorp Genetics (formerly Invitae), Labcorp
Classification: Uncertain significance for Hypertrophic cardiomyopathy. Last evaluated: 2023-03-26. Review status: criteria provided, single submitter. Criteria: Invitae Variant Classification Sherloc (09022015). Collection method: clinical testing. Allele origin: germline.
Comment: This sequence change replaces proline, which is neutral and non-polar, with leucine, which is neutral and non-polar, at codon 1068 of the MYBPC3 protein (p.Pro1068Leu). This variant is not present in population databases (gnomAD no frequency). This variant has not been reported in the literature in individuals affected with MYBPC3-related conditions. ClinVar contains an entry for this variant (Variation ID: 2127125). An algorithm developed to predict the effect of missense changes on protein structure and function (PolyPhen-2) suggests that this variant is likely to be disruptive. In summary, the available evidence is currently insufficient to determine the role of this variant in disease. Therefore, it has been classified as a Variant of Uncertain Significance.

NM_000256.3(MYBPC3):c.3203C>T (p.Pro1068Leu)

Gene: MYBPC3 (myosin binding protein C3; minus strand). Cytogenetic location: 11p11.2.
Variant type: single nucleotide variant.
Coding change: c.3203C>T on transcript NM_000256.3 (MANE Select); coding-DNA position 3203, C replaced by T.
Protein change: p.Pro1068Leu; replaces proline 1068 with leucine.
Molecular consequence: missense variant.
Genome position (GRCh38, 1-based): chr11:47,333,321, G>A on the plus strand (C>T on the coding strand, the complement: MYBPC3 is on the minus strand). VCF-style: chr11-47333321-G-A. GRCh37 (hg19) VCF-style: chr11-47354872-G-A.
Other names: short protein forms P1068L.
Identifiers: ClinVar variation 2127125 (VCV002127125.4), dbSNP rs2495740526, ClinGen allele CA380314512.